The following is an entry in ClinVar:

ClinVar aggregate classification (germline): Likely benign (1 of 4 stars; one submission).

Conditions:
Pulmonary hypertension, primary, 1 (PPH1). Also called: Pulmonary hypertension, familial primary, 1, with or without HHT. Identifiers: Orphanet 422, MedGen C4552070, MONDO:0024533, OMIM 178600.

gnomAD v4.1: 31 of 1,613,654 alleles (0.0019%); highest among the groups gnomAD compares: South Asian, 0.032%; no homozygotes.

Submission:

Centre for Medical Genetics,  Mumbai
Classification: Likely benign for Pulmonary hypertension, primary, 1. Last evaluated: 2026-02-03. Review status: criteria provided, single submitter. Criteria: ACMG Guidelines, 2015. Collection method: provider interpretation. Allele origin: germline. Inheritance: Autosomal dominant inheritance. Affected: no. Observed: 1 homozygote.
Comment: The variant satisfies PM2 criteria; Extremely low frequency in gnomAD population databases. The variant satisfies PP3 criteria; For a missense or a splicing region variant, computational prediction tools unanimously support a deleterious effect on the gene. However, the variant satisfies BS2 criteria.

Literature cited by the submitters: PubMed 19211612.

NM_001204.7(BMPR2):c.621+4A>C

Gene: BMPR2 (bone morphogenetic protein receptor type 2; plus strand). Cytogenetic location: 2q33.2.
Variant type: single nucleotide variant.
Coding change: c.621+4A>C on transcript NM_001204.7 (MANE Select); 4 bases into the intron after coding-DNA position 621, A replaced by C.
Molecular consequence: intron variant.
Genome position (GRCh38, 1-based): chr2:202,514,983, A>C. VCF-style: chr2-202514983-A-C. GRCh37 (hg19) VCF-style: chr2-203379706-A-C.
Identifiers: ClinVar variation 4690278 (VCV004690278.1).